The following is an entry in ClinVar:

NM_024537.4(CARS2):c.987+5C>T

Gene: CARS2 (cysteinyl-tRNA synthetase 2, mitochondrial; minus strand). Cytogenetic location: 13q34.
Variant type: single nucleotide variant.
Coding change: c.987+5C>T on transcript NM_024537.4 (MANE Select); 5 bases into the intron after coding-DNA position 987, C replaced by T.
Molecular consequence: intron variant.
Genome position (GRCh38, 1-based): chr13:110,663,446, G>A on the plus strand (C>T on the coding strand, the complement: CARS2 is on the minus strand). VCF-style: chr13-110663446-G-A. GRCh37 (hg19) VCF-style: chr13-111315793-G-A.
Other names: c.201+5C>T (NM_001352252.2).
Identifiers: ClinVar variation 1351858 (VCV001351858.5), dbSNP rs1465957770, ClinGen allele CA612643688.

ClinVar aggregate classification (germline): Uncertain significance (1 of 4 stars; one submission).

Conditions:
Combined oxidative phosphorylation defect type 27. Also called: Combined oxidative phosphorylation deficiency 27. Identifiers: Orphanet 477774, MedGen C5567608, MONDO:0014728, OMIM 616672.

Allele frequency attached by ClinVar (database versions not stated): gnomAD exomes below 0.00001; gnomAD 0.00001; TOPMed 0.00002.
gnomAD v4.1: 8 of 1,611,764 alleles (0.0005%); highest among the groups gnomAD compares: African/African-American, 0.004%; no homozygotes.

Submission:

Labcorp Genetics (formerly Invitae), Labcorp
Classification: Uncertain significance for Combined oxidative phosphorylation defect type 27. Last evaluated: 2022-06-27. Review status: criteria provided, single submitter. Criteria: Invitae Variant Classification Sherloc (09022015). Collection method: clinical testing. Allele origin: germline.
Comment: In summary, the available evidence is currently insufficient to determine the role of this variant in disease. Therefore, it has been classified as a Variant of Uncertain Significance. Variants that disrupt the consensus splice site are a relatively common cause of aberrant splicing (PMID: 17576681, 9536098). Algorithms developed to predict the effect of sequence changes on RNA splicing suggest that this variant is not likely to affect RNA splicing. This variant has not been reported in the literature in individuals affected with CARS2-related conditions. This variant is present in population databases (no rsID available, gnomAD 0.008%). This sequence change falls in intron 9 of the CARS2 gene. It does not directly change the encoded amino acid sequence of the CARS2 protein. It affects a nucleotide within the consensus splice site.

Literature cited by the submitters: PubMed 17576681; PubMed 9536098.